The following is an entry in ClinVar:

ClinVar aggregate classification (germline): Uncertain significance (1 of 4 stars; one submission).

Conditions:
Brachyolmia-amelogenesis imperfecta syndrome. Also called: Tooth agenesis, selective, 6; Dental anomalies and short stature; PLATYSPONDYLY WITH AMELOGENESIS IMPERFECTA. Identifiers: Orphanet 2899, MedGen C1832594, MONDO:0011018, OMIM 601216. Disease mechanism: loss of function.

Submission:

Labcorp Genetics (formerly Invitae), Labcorp
Classification: Uncertain significance for Brachyolmia-amelogenesis imperfecta syndrome. Last evaluated: 2025-05-06. Review status: criteria provided, single submitter. Criteria: Invitae Variant Classification Sherloc (09022015). Collection method: clinical testing. Allele origin: germline.
Comment: This sequence change replaces serine, which is neutral and polar, with arginine, which is basic and polar, at codon 752 of the LTBP3 protein (p.Ser752Arg). This variant is not present in population databases (gnomAD no frequency). This variant has not been reported in the literature in individuals affected with LTBP3-related conditions. An algorithm developed to predict the effect of missense changes on protein structure and function (PolyPhen-2) suggests that this variant is likely to be disruptive. In summary, the available evidence is currently insufficient to determine the role of this variant in disease. Therefore, it has been classified as a Variant of Uncertain Significance.

NM_001130144.3(LTBP3):c.2256C>G (p.Ser752Arg)

Genes: LTBP3 (latent transforming growth factor beta binding protein 3; minus strand), LOC130006029 (ATAC-STARR-seq lymphoblastoid silent region 3532; plus strand). Cytogenetic location: 11q13.1.
Variant type: single nucleotide variant.
Coding change: c.2256C>G on transcript NM_001130144.3 (MANE Select); coding-DNA position 2256, C replaced by G.
Protein change: p.Ser752Arg; replaces serine 752 with arginine.
Molecular consequence: missense variant.
Genome position (GRCh38, 1-based): chr11:65,546,539, G>C on the plus strand (C>G on the coding strand, the complement: LTBP3 is on the minus strand). VCF-style: chr11-65546539-G-C. GRCh37 (hg19) VCF-style: chr11-65314010-G-C.
Other names: c.1905C>G, p.Ser635Arg (NM_001164266.1); c.2256C>G, p.Ser752Arg (NM_021070.4); short protein forms S635R, S752R.
Identifiers: ClinVar variation 4811789 (VCV004811789.1).